The following is an entry in ClinVar:

NM_133259.4(LRPPRC):c.4133G>A (p.Ser1378Asn)

Gene: LRPPRC (leucine rich pentatricopeptide repeat containing; minus strand). Cytogenetic location: 2p21.
Variant type: single nucleotide variant.
Coding change: c.4133G>A on transcript NM_133259.4 (MANE Select); coding-DNA position 4133, G replaced by A.
Protein change: p.Ser1378Asn; replaces serine 1378 with asparagine.
Molecular consequence: missense variant.
Genome position (GRCh38, 1-based): chr2:43,888,652, C>T on the plus strand (G>A on the coding strand, the complement: LRPPRC is on the minus strand). VCF-style: chr2-43888652-C-T. GRCh37 (hg19) VCF-style: chr2-44115791-C-T.
Other names: short protein forms S1378N.
Identifiers: ClinVar variation 2283490 (VCV002283490.4), dbSNP rs1418253068, ClinGen allele CA346672503.
Genomic context (GRCh38, chr2:43,888,652, plus strand): 5'-TGGTTATTTCAAGAAGAGTTTTCCCTCAATTTTCTTAGCTGCTGTGCATAAAATTCAAAG[C>T]TTTCCTGTTAAGGAGAAAAAAAGAGGGAAGTTAGAGATACCAGCAAGAGGTGATGGTACA-3'
Protein context (NP_573566.2, residues 1368-1388): EPVPFIEPPE[Ser1378Asn]FEFYAQQLRK

ClinVar aggregate classification (germline): Uncertain significance. Review status: criteria provided, multiple submitters, no conflicts (2 of 4 stars). 2 submissions from 2 submitters: Uncertain significance (2). Last evaluated 2026-09-25.

Conditions:
Inborn genetic diseases. Identifiers: MedGen C0950123, MeSH D030342.

Allele frequency attached by ClinVar (database versions not stated): gnomAD exomes below 0.00001.

Submissions (2):

GeneDx
Classification: Uncertain significance. Last evaluated: 2026-09-25. Review status: criteria provided, single submitter. Criteria: GeneDx Variant Classification Process June 2021. Collection method: clinical testing. Allele origin: germline.
Comment: Not observed at significant frequency in large population cohorts (gnomAD); In silico analysis suggests that this missense variant does not alter protein structure/function; Has not been previously published as pathogenic or benign to our knowledge

Ambry Genetics
Classification: Uncertain significance for Inborn genetic diseases. Last evaluated: 2022-04-12. Review status: criteria provided, single submitter. Criteria: Ambry Variant Classification Scheme 2023. Collection method: clinical testing. Allele origin: germline.